The following is an entry in ClinVar:

NM_005105.5(RBM8A):c.68-6T>C

Genes: LIX1L-AS1 (LIX1L antisense RNA 1; plus strand), RBM8A (RNA binding motif protein 8A; minus strand), LOC126805851 (MED14-independent group 3 enhancer GRCh37_chr1:145507474-145508673; plus strand). Cytogenetic location: 1q21.1.
Variant type: single nucleotide variant.
Coding change: c.68-6T>C on transcript NM_005105.5 (MANE Select); 6 bases into the intron before coding-DNA position 68, T replaced by C.
Molecular consequence: intron variant. On other transcripts: non-coding transcript variant (1).
Genome position (GRCh38, 1-based): chr1:145,927,083, A>G on the plus strand (T>C on the coding strand, the complement: RBM8A is on the minus strand). VCF-style: chr1-145927083-A-G. GRCh37 (hg19) VCF-style: chr1-145508010-T-C.
Other names: p.?.
Identifiers: ClinVar variation 772505 (VCV000772505.18), dbSNP rs112273321, ClinGen allele CA1055249.
Genomic context (GRCh38, chr1:145,927,083, plus strand): 5'-CCAAAGCCGCGACCCTTCCGTTTCTTCGCTTTTTCTTTCAGTTTGTGAATGCTCTCTGGA[A>G]CCCCAGAAGATAAAAGAATAAGTAACTATGACAGTCATTTGTAACAATCGTCTCTTTCCC-3'

ClinVar aggregate classification (germline): Benign/Likely benign. Review status: criteria provided, multiple submitters, no conflicts (2 of 4 stars). 6 submissions from 6 submitters: Benign (2); Likely benign (4). Last evaluated 2026-02-02.

Conditions:
Radial aplasia-thrombocytopenia syndrome (TAR). Also called: TAR syndrome; Thrombocytopenia Absent Radius Syndrome. Identifiers: Orphanet 3320, MedGen C0175703, MeSH C536940, MONDO:0010121, OMIM 274000.

Allele frequency attached by ClinVar (database versions not stated): gnomAD exomes 0.00230; ExAC 0.00295; gnomAD 0.00588 and 0.00607; ESP Exome Variant Server 0.00592; TOPMed 0.00668; 1000 Genomes Project 0.00938; 1000 Genomes Project 30x 0.00953.
gnomAD v4.1: 2,780 of 1,612,732 alleles (0.17%); highest among the groups gnomAD compares: African/African-American, 2%; 25 homozygotes.

Submissions (6):

Labcorp Genetics (formerly Invitae), Labcorp
Classification: Benign for Radial aplasia-thrombocytopenia syndrome. Last evaluated: 2026-02-02. Review status: criteria provided, single submitter. Criteria: Invitae Variant Classification Sherloc (09022015). Collection method: clinical testing. Allele origin: germline.

Blueprint Genetics
Classification: Likely benign. Last evaluated: 2024-10-18. Review status: criteria provided, single submitter. Criteria: ACMG Guidelines, 2015. Collection method: clinical testing. Allele origin: germline.

Mayo Clinic Laboratories, Mayo Clinic
Classification: Benign. Last evaluated: 2023-10-26. Review status: criteria provided, single submitter. Criteria: ACMG Guidelines, 2015. Collection method: clinical testing. Allele origin: germline. Observed: 8 variant alleles.
Comment: BS1, BS2, BP4, BP7

Fulgent Genetics
Classification: Likely benign for Radial aplasia-thrombocytopenia syndrome. Last evaluated: 2021-08-10. Review status: criteria provided, single submitter. Criteria: ACMG Guidelines, 2015. Collection method: clinical testing. Allele origin: unknown.

GeneDx
Classification: Likely benign. Last evaluated: 2020-03-06. Review status: criteria provided, single submitter. Criteria: GeneDx Variant Classification Process June 2021. Collection method: clinical testing. Allele origin: germline. Affected: yes.

Breakthrough Genomics
Classification: Likely benign. Review status: criteria provided, single submitter. Criteria: ACMG Guidelines, 2015. Collection method: not provided. Allele origin: germline. Inheritance: Autosomal recessive inheritance. Affected: yes.